The following is an entry in ClinVar:

NM_000384.3(APOB):c.238-6T>C

Genes: APOB (apolipoprotein B; minus strand), LOC106560211 (APOB 5' regulatory region; plus strand). Cytogenetic location: 2p24.1.
Variant type: single nucleotide variant.
Coding change: c.238-6T>C on transcript NM_000384.3 (MANE Select); 6 bases into the intron before coding-DNA position 238, T replaced by C.
Molecular consequence: intron variant.
Genome position (GRCh38, 1-based): chr2:21,041,089, A>G on the plus strand (T>C on the coding strand, the complement: APOB is on the minus strand). VCF-style: chr2-21041089-A-G. GRCh37 (hg19) VCF-style: chr2-21263961-A-G.
Identifiers: ClinVar variation 627785 (VCV000627785.17), dbSNP rs200048290, ClinGen allele CA056078.

ClinVar aggregate classification (germline): Conflicting classifications of pathogenicity. Review status: criteria provided, conflicting classifications (1 of 4 stars). 4 submissions from 4 submitters: Uncertain significance (1); Benign (2); Likely benign (1). Last evaluated 2026-01-18.

Conditions:
Familial hypercholesterolemia. Also called: Familial hypercholesterolaemia; Familial hypercholesterolemias. Identifiers: MedGen C0020445, MONDO:0005439.
Familial hypobetalipoproteinemia 1. Also called: Hypobetalipoproteinemia, normotriglyceridemic; Acanthocytosis with hypobetalipoproteinemia; APOB-Related Familial Hypobetalipoproteinemia. Identifiers: MedGen C4551990, MONDO:0014252, OMIM 615558.
Hypercholesterolemia, autosomal dominant, type B (FHCL2). Also called: Familial Hypercholesterolemia Type B; APOLIPOPROTEIN B-100, FAMILIAL DEFECTIVE; APOLIPOPROTEIN B-100, FAMILIAL LIGAND-DEFECTIVE; APOB-Related Familial Hypercholesterolemia, Autosomal Dominant; Hyperlipoproteinemia Type IIb; HYPERCHOLESTEROLEMIA, FAMILIAL, DUE TO LIGAND-DEFECTIVE APOLIPOPROTEIN B. Identifiers: MedGen C1704417, MONDO:0007751, OMIM 144010.

Allele frequency attached by ClinVar (database versions not stated): gnomAD exomes 0.00032 and 0.00015; ExAC 0.00044; 1000 Genomes Project 0.00100; 1000 Genomes Project 30x 0.00141; gnomAD below 0.00001 and 0.00011; TOPMed below 0.00001.
gnomAD v4.1: 235 of 1,610,722 alleles (0.015%); highest among the groups gnomAD compares: South Asian, 0.25%; 4 homozygotes.

Submissions (4):

Labcorp Genetics (formerly Invitae), Labcorp
Classification: Benign for Familial hypobetalipoproteinemia 1; Hypercholesterolemia, autosomal dominant, type B. Last evaluated: 2026-01-18. Review status: criteria provided, single submitter. Criteria: Invitae Variant Classification Sherloc (09022015). Collection method: clinical testing. Allele origin: germline.

Cambridge Genomics Laboratory, East Genomic Laboratory Hub, NHS Genomic Medicine Service
Classification: Uncertain significance for Familial hypercholesterolaemia. Last evaluated: 2026-01-08. Review status: criteria provided, single submitter. Criteria: ACGS Best Practice Guidelines for Variant Classification in Rare Disease 2020. Collection method: clinical testing. Allele origin: germline. Affected: yes.
Comment: BS1_Strong

Blueprint Genetics
Classification: Likely benign. Last evaluated: 2024-11-26. Review status: criteria provided, single submitter. Criteria: ACMG Guidelines, 2015. Collection method: clinical testing. Allele origin: germline.

Color Diagnostics, LLC DBA Color Health
Classification: Benign for Familial hypercholesterolemias. Last evaluated: 2018-03-23. Review status: criteria provided, single submitter. Criteria: ACMG Guidelines, 2015. Collection method: clinical testing. Allele origin: germline.